The following is an entry in ClinVar:

ClinVar aggregate classification (germline): Uncertain significance. Review status: criteria provided, multiple submitters, no conflicts (2 of 4 stars). 2 submissions from 2 submitters: Uncertain significance (2). Last evaluated 2025-12-30.

Conditions:
Familial thoracic aortic aneurysm and aortic dissection (TAAD). Also called: Thoracic aortic aneurysms and dissections. Identifiers: Orphanet 91387, MedGen C4707243, MONDO:0019625.
Aortic aneurysm, familial thoracic 4 (AAT4). Also called: AORTIC ANEURYSM/AORTIC DISSECTION AND PATENT DUCTUS ARTERIOSUS. Identifiers: MedGen C1851504, MONDO:0007568, OMIM 132900.

Allele frequency attached by ClinVar (database versions not stated): gnomAD exomes 0.00001; gnomAD 0.00002; TOPMed 0.00006.
gnomAD v4.1: 3 of 1,613,990 alleles (0.00019%); highest among the groups gnomAD compares: African/African-American, 0.0027%; no homozygotes.

Submissions (2):

Ambry Genetics
Classification: Uncertain significance for Familial thoracic aortic aneurysm and aortic dissection. Last evaluated: 2025-12-30. Review status: criteria provided, single submitter. Criteria: Ambry Variant Classification Scheme 2023. Collection method: clinical testing. Allele origin: germline.
Comment: The p.E1298D variant (also known as c.3894G>C), located in coding exon 28 of the MYH11 gene, results from a G to C substitution at nucleotide position 3894. The glutamic acid at codon 1298 is replaced by aspartic acid, an amino acid with highly similar properties. This amino acid position is conserved. In addition, this alteration is predicted to be tolerated by in silico analysis. Based on the available evidence, the clinical significance of this variant remains unclear.

Labcorp Genetics (formerly Invitae), Labcorp
Classification: Uncertain significance for Aortic aneurysm, familial thoracic 4. Last evaluated: 2024-07-06. Review status: criteria provided, single submitter. Criteria: Invitae Variant Classification Sherloc (09022015). Collection method: clinical testing. Allele origin: germline.
Comment: This sequence change replaces glutamic acid, which is acidic and polar, with aspartic acid, which is acidic and polar, at codon 1305 of the MYH11 protein (p.Glu1305Asp). This variant is not present in population databases (gnomAD no frequency). This variant has not been reported in the literature in individuals affected with MYH11-related conditions. ClinVar contains an entry for this variant (Variation ID: 653017). Advanced modeling of protein sequence and biophysical properties (such as structural, functional, and spatial information, amino acid conservation, physicochemical variation, residue mobility, and thermodynamic stability) performed at Invitae indicates that this missense variant is not expected to disrupt MYH11 protein function with a negative predictive value of 95%. In summary, the available evidence is currently insufficient to determine the role of this variant in disease. Therefore, it has been classified as a Variant of Uncertain Significance.

NM_002474.3(MYH11):c.3894G>C (p.Glu1298Asp)

Genes: MYH11 (myosin heavy chain 11; minus strand), NDE1 (nudE neurodevelopment protein 1; plus strand). Cytogenetic location: 16p13.11.
Variant type: single nucleotide variant.
Coding change: c.3894G>C on transcript NM_002474.3 (MANE Select); coding-DNA position 3894, G replaced by C.
Protein change: p.Glu1298Asp; replaces glutamic acid 1298 with aspartic acid.
Molecular consequence: missense variant. On other transcripts: 3 prime UTR variant (2).
Genome position (GRCh38, 1-based): chr16:15,724,957, C>G on the plus strand (G>C on the coding strand, the complement: MYH11 is on the minus strand). VCF-style: chr16-15724957-C-G. GRCh37 (hg19) VCF-style: chr16-15818814-C-G.
Other names: c.3915G>C, p.Glu1305Asp (NM_001040113.2, NM_001040114.2); c.3894G>C, p.Glu1298Asp (NM_022844.3); c.*706C>G (NM_001143979.2, NM_017668.3); c.3894G>C (NM_002474.2); short protein forms E1305D, E1298D.
Identifiers: ClinVar variation 653017 (VCV000653017.8), dbSNP rs1028035825, ClinGen allele CA278606945.